The following is an entry in ClinVar:

NM_001042492.3(NF1):c.7161C>G (p.Asn2387Lys)

Gene: NF1 (neurofibromin 1; plus strand). Cytogenetic location: 17q11.2.
Variant type: single nucleotide variant.
Coding change: c.7161C>G on transcript NM_001042492.3 (MANE Select); coding-DNA position 7161, C replaced by G.
Protein change: p.Asn2387Lys; replaces asparagine 2387 with lysine.
Molecular consequence: missense variant.
Genome position (GRCh38, 1-based): chr17:31,343,107, C>G. VCF-style: chr17-31343107-C-G. GRCh37 (hg19) VCF-style: chr17-29670125-C-G.
Other names: c.7098C>G, p.Asn2366Lys (NM_000267.4); short protein forms N2387K, N2366K.
Identifiers: ClinVar variation 527441 (VCV000527441.10), dbSNP rs1555535444, ClinGen allele CA399015728.

ClinVar aggregate classification (germline): Uncertain significance. Review status: criteria provided, multiple submitters, no conflicts (2 of 4 stars). 3 submissions from 3 submitters: Uncertain significance (3). Last evaluated 2022-04-06.

Conditions:
Neurofibromatosis, type 1 (NF1). Also called: VON RECKLINGHAUSEN DISEASE; NEUROFIBROMATOSIS, TYPE I, SOMATIC; Peripheral type neurofibromatosis; Neurofibromatosis, type I. Identifiers: Orphanet 636, MedGen C0027831, MONDO:0018975, OMIM 162200. Disease mechanism: loss of function.

Submissions (3):

Labcorp Genetics (formerly Invitae), Labcorp
Classification: Uncertain significance for Neurofibromatosis, type 1. Last evaluated: 2022-04-06. Review status: criteria provided, single submitter. Criteria: Invitae Variant Classification Sherloc (09022015). Collection method: clinical testing. Allele origin: germline.
Comment: In summary, the available evidence is currently insufficient to determine the role of this variant in disease. Therefore, it has been classified as a Variant of Uncertain Significance. Algorithms developed to predict the effect of missense changes on protein structure and function are either unavailable or do not agree on the potential impact of this missense change (SIFT: "Tolerated"; PolyPhen-2: "Possibly Damaging"; Align-GVGD: "Class C0"). ClinVar contains an entry for this variant (Variation ID: 527441). This variant has not been reported in the literature in individuals affected with NF1-related conditions. This variant is not present in population databases (gnomAD no frequency). This sequence change replaces asparagine, which is neutral and polar, with lysine, which is basic and polar, at codon 2366 of the NF1 protein (p.Asn2366Lys).

Genome-Nilou Lab
Classification: Uncertain significance for Neurofibromatosis, type 1. Last evaluated: 2022-03-15. Review status: criteria provided, single submitter. Criteria: ACMG Guidelines, 2015. Collection method: clinical testing. Allele origin: germline. Affected: no.

Greenwood Genetic Center Diagnostic Laboratories, Greenwood Genetic Center
Classification: Uncertain significance. Last evaluated: 2021-07-22. Review status: criteria provided, single submitter. Criteria: ACMG Guidelines, 2015. Collection method: clinical testing. Allele origin: germline. Affected: yes.
Comment: PP2, PP3, PM2